The following is an entry in ClinVar:

ClinVar aggregate classification (germline): Benign/Likely benign. Review status: criteria provided, multiple submitters, no conflicts (2 of 4 stars). 4 submissions from 4 submitters: Benign (2); Likely benign (1). 1 of the submissions does not count toward it. Last evaluated 2026-01-21.

Conditions:
IARS1-related disorder. Also called: IARS1-related condition.

Allele frequency attached by ClinVar (database versions not stated): gnomAD exomes 0.00358 and 0.00373; ExAC 0.00365; 1000 Genomes Project 30x 0.00515; 1000 Genomes Project 0.00519; gnomAD 0.00722 and 0.00733; ESP Exome Variant Server 0.00723; TOPMed 0.00771.
gnomAD v4.1: 6,473 of 1,613,132 alleles (0.4%); highest among the groups gnomAD compares: African/African-American, 1.7%; 38 homozygotes.

Submissions (4):

Labcorp Genetics (formerly Invitae), Labcorp
Classification: Benign. Last evaluated: 2026-01-21. Review status: criteria provided, single submitter. Criteria: Invitae Variant Classification Sherloc (09022015). Collection method: clinical testing. Allele origin: germline.

Blueprint Genetics
Classification: Likely benign. Last evaluated: 2024-11-22. Review status: criteria provided, single submitter. Criteria: ACMG Guidelines, 2015. Collection method: clinical testing. Allele origin: germline.

Breakthrough Genomics
Classification: Benign. Review status: criteria provided, single submitter. Criteria: ACMG Guidelines, 2015. Collection method: not provided. Allele origin: germline. Inheritance: Autosomal recessive inheritance. Affected: yes.

PreventionGenetics, part of Exact Sciences
Classification: Benign for IARS1-related condition. Last evaluated: 2019-05-23. Review status: no assertion criteria provided. Collection method: clinical testing. Allele origin: germline. Not counted in ClinVar's aggregate classification.
Comment: This variant is classified as benign based on ACMG/AMP sequence variant interpretation guidelines (Richards et al. 2015 PMID: 25741868, with internal and published modifications).

NM_002161.6(IARS1):c.2051C>T (p.Thr684Met)

Gene: IARS1 (isoleucyl-tRNA synthetase 1; minus strand). Cytogenetic location: 9q22.31.
Variant type: single nucleotide variant.
Coding change: c.2051C>T on transcript NM_002161.6 (MANE Select); coding-DNA position 2051, C replaced by T.
Protein change: p.Thr684Met; replaces threonine 684 with methionine.
Molecular consequence: missense variant. On other transcripts: non-coding transcript variant (1).
Genome position (GRCh38, 1-based): chr9:92,256,766, G>A on the plus strand (C>T on the coding strand, the complement: IARS1 is on the minus strand). VCF-style: chr9-92256766-G-A. GRCh37 (hg19) VCF-style: chr9-95019048-G-A.
Other names: c.2051C>T, p.Thr684Met (NM_001374299.1, NM_001374300.1, NM_013417.4); c.1967C>T, p.Thr656Met (NM_001374301.1); short protein forms T656M, T684M.
Identifiers: ClinVar variation 770387 (VCV000770387.13), dbSNP rs2070053, ClinGen allele CA5122396.
Genomic context (GRCh38, chr9:92,256,766, plus strand): 5'-ATGAGAGACTGCATGAAGGACAGGATCCACCGGTCTGTAATGTTGGGGCTTTCTCTAACC[G>A]TGTTCTCATTGTAGAGAAATTCTATTTCTTCCTCCTAGGAAGGAACAATTAATGAAACAC-3'
Protein context (NP_002152.2, residues 674-694): EEIEFLYNEN[Thr684Met]VRESPNITDR